The following is an entry in ClinVar:

NM_201412.3(LUC7L):c.941G>A (p.Arg314His)

Gene: LUC7L (LUC7 like; minus strand). Cytogenetic location: 16p13.3.
Variant type: single nucleotide variant.
Coding change: c.941G>A on transcript NM_201412.3 (MANE Select); coding-DNA position 941, G replaced by A.
Protein change: p.Arg314His; replaces arginine 314 with histidine.
Molecular consequence: missense variant.
Genome position (GRCh38, 1-based): chr16:190,001, C>T on the plus strand (G>A on the coding strand, the complement: LUC7L is on the minus strand). VCF-style: chr16-190001-C-T. GRCh37 (hg19) VCF-style: chr16-240000-C-T.
Other names: c.941G>A, p.Arg314His (NM_001320226.2, NM_018032.5); c.782G>A, p.Arg261His (NM_001330420.2); short protein forms R261H, R314H.
Identifiers: ClinVar variation 3037946 (VCV003037946.2), dbSNP rs61743947, ClinGen allele CA7770516.

ClinVar aggregate classification (germline): Likely benign (0 of 4 stars; one submission).

Conditions:
LUC7L-related disorder. Also called: LUC7L-related condition.

Allele frequency attached by ClinVar (database versions not stated): ExAC 0.00056; 1000 Genomes Project 0.00100; 1000 Genomes Project 30x 0.00109; gnomAD 0.00157; ESP Exome Variant Server 0.00177; TOPMed 0.00186.

Submission:

PreventionGenetics, part of Exact Sciences
Classification: Likely benign for LUC7L-related condition. Last evaluated: 2023-05-22. Review status: no assertion criteria provided. Collection method: clinical testing. Allele origin: germline.
Comment: This variant is classified as likely benign based on ACMG/AMP sequence variant interpretation guidelines (Richards et al. 2015 PMID: 25741868, with internal and published modifications).